The following is an entry in ClinVar:

NM_001174089.2(SLC4A11):c.582C>A (p.Tyr194Ter)

Gene: SLC4A11 (solute carrier family 4 member 11; minus strand). Cytogenetic location: 20p13.
Variant type: single nucleotide variant.
Coding change: c.582C>A on transcript NM_001174089.2 (MANE Select); coding-DNA position 582, C replaced by A.
Protein change: p.Tyr194Ter; replaces tyrosine 194 with a stop codon.
Molecular consequence: nonsense. On other transcripts: non-coding transcript variant (1).
Genome position (GRCh38, 1-based): chr20:3,233,944, G>T on the plus strand (C>A on the coding strand, the complement: SLC4A11 is on the minus strand). VCF-style: chr20-3233944-G-T. GRCh37 (hg19) VCF-style: chr20-3214590-G-T.
Other names: c.711C>A, p.Tyr237Ter (NM_001174090.2); c.582C>A, p.Tyr194Ter (NM_001363745.2); c.630C>A, p.Tyr210Ter (NM_032034.4); short protein forms Y210*, Y194*, Y237*.
Identifiers: ClinVar variation 1414795 (VCV001414795.6), dbSNP rs763387034, ClinGen allele CA408093145.

ClinVar aggregate classification (germline): Pathogenic (1 of 4 stars; one submission).

gnomAD v4.1: 1 of 1,613,508 alleles (0.000062%); no homozygotes.

Submission:

Labcorp Genetics (formerly Invitae), Labcorp
Classification: Pathogenic. Last evaluated: 2021-07-26. Review status: criteria provided, single submitter. Criteria: Invitae Variant Classification Sherloc (09022015). Collection method: clinical testing. Allele origin: germline.
Comment: This variant has not been reported in the literature in individuals affected with SLC4A11-related conditions. This variant is not present in population databases (ExAC no frequency). This sequence change creates a premature translational stop signal (p.Tyr210*) in the SLC4A11 gene. It is expected to result in an absent or disrupted protein product. Loss-of-function variants in SLC4A11 are known to be pathogenic (PMID: 17220209, 17679935). For these reasons, this variant has been classified as Pathogenic. Algorithms developed to predict the effect of sequence changes on RNA splicing suggest that this variant may create or strengthen a splice site.

Literature cited by the submitters: PubMed 17220209; PubMed 17679935.